The following is an entry in ClinVar:

NM_016111.4(TELO2):c.2300G>A (p.Arg767His)

Gene: TELO2 (telomere maintenance 2; plus strand). Cytogenetic location: 16p13.3.
Variant type: single nucleotide variant.
Coding change: c.2300G>A on transcript NM_016111.4 (MANE Select); coding-DNA position 2300, G replaced by A.
Protein change: p.Arg767His; replaces arginine 767 with histidine.
Molecular consequence: missense variant.
Genome position (GRCh38, 1-based): chr16:1,507,609, G>A. VCF-style: chr16-1507609-G-A. GRCh37 (hg19) VCF-style: chr16-1557610-G-A.
Other names: c.2300G>A, p.Arg767His (NM_001351846.2); short protein forms R767H.
Identifiers: ClinVar variation 1311155 (VCV001311155.5), dbSNP rs772152176, ClinGen allele CA7812621.

ClinVar aggregate classification (germline): Uncertain significance. Review status: criteria provided, multiple submitters, no conflicts (2 of 4 stars). 2 submissions from 2 submitters: Uncertain significance (2). Last evaluated 2023-05-09.

Conditions:
Inborn genetic diseases. Identifiers: MedGen C0950123, MeSH D030342.

Allele frequency attached by ClinVar (database versions not stated): gnomAD exomes below 0.00001; TOPMed below 0.00001; ExAC 0.00002.

Submissions (2):

Ambry Genetics
Classification: Uncertain significance for Inborn genetic diseases. Last evaluated: 2023-05-09. Review status: criteria provided, single submitter. Criteria: Ambry Variant Classification Scheme 2023. Collection method: clinical testing. Allele origin: germline.

GeneDx
Classification: Uncertain significance. Last evaluated: 2022-08-23. Review status: criteria provided, single submitter. Criteria: GeneDx Variant Classification Process June 2021. Collection method: clinical testing. Allele origin: germline. Affected: yes.
Comment: In silico analysis supports that this missense variant has a deleterious effect on protein structure/function; Has not been previously published as pathogenic or benign to our knowledge